The following is an entry in ClinVar:

ClinVar aggregate classification (germline): Benign/Likely benign. Review status: criteria provided, multiple submitters, no conflicts (2 of 4 stars). 2 submissions from 2 submitters: Benign (1); Likely benign (1). Last evaluated 2025-05-26.

Conditions:
GRIN2B-related disorder. Also called: GRIN2B-related condition.
Intellectual developmental disorder, autosomal dominant 6, with or without seizures. Also called: Intellectual disability, autosomal dominant 6; GRIN2B-related developmental delay, intellectual disability and autism spectrum disorder. Identifiers: Orphanet 589547, MedGen C3151411, MONDO:0013509, OMIM 613970.
Developmental and epileptic encephalopathy, 27 (DEE27). Also called: Epileptic encephalopathy, early infantile, 27; GRIN2B-Related Neurodevelopmental Disorder. Identifiers: Orphanet 3451, MedGen C4015316, MONDO:0014505, OMIM 616139.

Allele frequency attached by ClinVar (database versions not stated): gnomAD 0.00001; ExAC 0.00006; TOPMed 0.00001.
gnomAD v4.1: 13 of 1,614,156 alleles (0.00081%); highest among the groups gnomAD compares: East Asian, 0.02%; no homozygotes.

Submissions (2):

PreventionGenetics, part of Exact Sciences
Classification: Likely benign for GRIN2B-related condition. Last evaluated: 2025-05-26. Review status: criteria provided, single submitter. Criteria: ACMG Guidelines, 2015. Collection method: clinical testing. Allele origin: germline.
Comment: This variant is classified as likely benign based on ACMG/AMP sequence variant interpretation guidelines (Richards et al. 2015 PMID: 25741868, with internal and published modifications).

Labcorp Genetics (formerly Invitae), Labcorp
Classification: Benign for Developmental and epileptic encephalopathy, 27; Intellectual developmental disorder, autosomal dominant 6, with or without seizures. Last evaluated: 2025-01-23. Review status: criteria provided, single submitter. Criteria: Invitae Variant Classification Sherloc (09022015). Collection method: clinical testing. Allele origin: germline.

NM_000834.5(GRIN2B):c.2700C>A (p.Arg900=)

Gene: GRIN2B (glutamate ionotropic receptor NMDA type subunit 2B; minus strand). Cytogenetic location: 12p13.1.
Variant type: single nucleotide variant.
Coding change: c.2700C>A on transcript NM_000834.5 (MANE Select); coding-DNA position 2700, C replaced by A.
Protein change: p.Arg900=; no amino-acid change (arginine 900 retained).
Molecular consequence: synonymous variant.
Genome position (GRCh38, 1-based): chr12:13,564,538, G>T on the plus strand (C>A on the coding strand, the complement: GRIN2B is on the minus strand). VCF-style: chr12-13564538-G-T. GRCh37 (hg19) VCF-style: chr12-13717472-G-T.
Other names: c.2700C>A (NM_000834.3).
Identifiers: ClinVar variation 1170662 (VCV001170662.10), dbSNP rs531269037, ClinGen allele CA6460995.